The following is an entry in ClinVar:

NM_000218.3(KCNQ1):c.1136G>C (p.Trp379Ser)

Gene: KCNQ1 (potassium voltage-gated channel subfamily Q member 1; plus strand). Cytogenetic location: 11p15.5.
Variant type: single nucleotide variant.
Coding change: c.1136G>C on transcript NM_000218.3 (MANE Select); coding-DNA position 1136, G replaced by C.
Protein change: p.Trp379Ser; replaces tryptophan 379 with serine.
Molecular consequence: missense variant.
Genome position (GRCh38, 1-based): chr11:2,587,577, G>C. VCF-style: chr11-2587577-G-C. GRCh37 (hg19) VCF-style: chr11-2608807-G-C.
Other names: c.1136G>C (LRG_287t1); c.1040G>C, p.Trp347Ser (NM_001406836.1); c.866G>C, p.Trp289Ser (NM_001406837.1); c.596G>C, p.Trp199Ser (NM_001406838.1); c.755G>C, p.Trp252Ser (NM_181798.2); short protein forms W379S, W252S, W199S, W347S, W289S.
Identifiers: ClinVar variation 67015 (VCV000067015.3), dbSNP rs199472769, ClinGen allele CA005382.

ClinVar aggregate classification (germline): not provided (0 of 4 stars; one submission).

Conditions:
Familial long QT syndrome (RWS). Also called: Congenital long QT syndrome; Romano-Ward syndrome; VENTRICULAR FIBRILLATION WITH PROLONGED QT INTERVAL. Identifiers: Orphanet 768, MedGen C1141890, MONDO:0019171.

Submission:

Cardiovascular Biomedical Research Unit, Royal Brompton & Harefield NHS Foundation Trust
No classification provided. Condition: Familial long QT syndrome. Review status: no classification provided. Collection method: literature only. Allele origin: germline.
Comment: This variant has been reported as associated with Long QT syndrome in the following publications (PMID:12566525). This is a literature report, and does not necessarily reflect the clinical interpretation of the Imperial College / Royal Brompton Cardiovascular Genetics laboratory.

Literature cited by the submitters: PubMed 12566525; PubMed 22581653.